The following is an entry in ClinVar:

NM_020937.4(FANCM):c.5788A>C (p.Ile1930Leu)

Gene: FANCM (FA complementation group M; plus strand). Cytogenetic location: 14q21.2.
Variant type: single nucleotide variant.
Coding change: c.5788A>C on transcript NM_020937.4 (MANE Select); coding-DNA position 5788, A replaced by C.
Protein change: p.Ile1930Leu; replaces isoleucine 1930 with leucine.
Molecular consequence: missense variant.
Genome position (GRCh38, 1-based): chr14:45,198,715, A>C. VCF-style: chr14-45198715-A-C. GRCh37 (hg19) VCF-style: chr14-45667918-A-C.
Other names: c.5710A>C, p.Ile1904Leu (NM_001308133.2); short protein forms I1930L, I1904L.
Identifiers: ClinVar variation 4619609 (VCV004619609.1).
Genomic context (GRCh38, chr14:45,198,715, plus strand): 5'-AGGATGTTTAGGAGAACAAAGAGCTATGACAGCCTGCTGACTACCTTAATTGGCGCTGGA[A>C]TCCGAATTCTTTTCAGTTCCTGCCAAGAAGAAACCGCAGATTTGCTAAAGGAACTGTCTT-3'
Protein context (NP_065988.1, residues 1920-1940): SLLTTLIGAG[Ile1930Leu]RILFSSCQEE

ClinVar aggregate classification (germline): Uncertain significance (1 of 4 stars; one submission).

Conditions:
Inborn genetic diseases. Identifiers: MedGen C0950123, MeSH D030342.

Submission:

Ambry Genetics
Classification: Uncertain significance for Inborn genetic diseases. Last evaluated: 2025-11-25. Review status: criteria provided, single submitter. Criteria: Ambry Variant Classification Scheme 2023. Collection method: clinical testing. Allele origin: germline.
Comment: The p.I1930L variant (also known as c.5788A>C), located in coding exon 22 of the FANCM gene, results from an A to C substitution at nucleotide position 5788. The isoleucine at codon 1930 is replaced by leucine, an amino acid with highly similar properties. This amino acid position is conserved. In addition, this alteration is predicted to be tolerated by in silico analysis. Based on the available evidence, the clinical significance of this variant remains unclear.